The following is an entry in ClinVar:

NM_004329.3(BMPR1A):c.334-11T>C

Gene: BMPR1A (bone morphogenetic protein receptor type 1A; plus strand). Cytogenetic location: 10q23.2.
Variant type: single nucleotide variant.
Coding change: c.334-11T>C on transcript NM_004329.3 (MANE Select); 11 bases into the intron before coding-DNA position 334, T replaced by C.
Molecular consequence: intron variant.
Genome position (GRCh38, 1-based): chr10:86,899,783, T>C. VCF-style: chr10-86899783-T-C. GRCh37 (hg19) VCF-style: chr10-88659540-T-C.
Identifiers: ClinVar variation 381556 (VCV000381556.15), dbSNP rs1057521072, ClinGen allele CA16605964.
Genomic context (GRCh38, chr10:86,899,783, plus strand): 5'-ATGAATACTAAAAAGACATATCAGTTTAAAATACCAAACCATTTCTAATTTTATCATTAC[T>C]CTTCTTTTAGGATTCTCCAAAAGCCCAGCTACGCCGGACAATAGAATGTTGTCGGACCAA-3'

ClinVar aggregate classification (germline): Likely benign. Review status: criteria provided, multiple submitters, no conflicts (2 of 4 stars). 4 submissions from 4 submitters: Likely benign (4). Last evaluated 2025-12-18.

Conditions:
Juvenile polyposis syndrome (JPS). Identifiers: Orphanet 2929, MedGen C0345893, MONDO:0017380, OMIM 174900.
Hereditary cancer-predisposing syndrome. Also called: Hereditary neoplastic syndrome; Tumor predisposition; Neoplastic Syndromes, Hereditary; Hereditary Cancer Syndrome. Identifiers: Orphanet 140162, MedGen C0027672, MeSH D009386, MONDO:0015356.

gnomAD v4.1: 3 of 1,606,870 alleles (0.00019%); no homozygotes.

Submissions (4):

Labcorp Genetics (formerly Invitae), Labcorp
Classification: Likely benign for Juvenile polyposis syndrome. Last evaluated: 2025-12-18. Review status: criteria provided, single submitter. Criteria: Invitae Variant Classification Sherloc (09022015). Collection method: clinical testing. Allele origin: germline.

Myriad Genetics, Inc.
Classification: Likely benign for Juvenile polyposis syndrome. Last evaluated: 2024-07-31. Review status: criteria provided, single submitter. Criteria: Myriad Autosomal Dominant, Autosomal Recessive and X-Linked Classification Criteria (2023). Collection method: clinical testing. Allele origin: unknown.
Comment: This variant is considered likely benign. This variant is intronic and is not expected to impact mRNA splicing.

Color Diagnostics, LLC DBA Color Health
Classification: Likely benign for Hereditary cancer-predisposing syndrome. Last evaluated: 2019-10-15. Review status: criteria provided, single submitter. Criteria: ACMG Guidelines, 2015. Collection method: clinical testing. Allele origin: germline.

GeneDx
Classification: Likely benign. Last evaluated: 2018-06-19. Review status: criteria provided, single submitter. Criteria: GeneDx Variant Classification Process June 2021. Collection method: clinical testing. Allele origin: germline. Affected: yes.